The following is an entry in ClinVar:

ClinVar aggregate classification (germline): Likely benign. Review status: criteria provided, multiple submitters, no conflicts (2 of 4 stars). 4 submissions from 4 submitters: Likely benign (3). 1 of the submissions does not count toward it. Last evaluated 2025-04-03.

Conditions:
PKD1-related disorder. Also called: PKD1-related condition.
Polycystic kidney disease, adult type (PKD1). Also called: Polycystic Kidney Disease 1, Autosomal Dominant; Polycystic kidney disease 1; Polycystic kidney disease 1, severe; POLYCYSTIC KIDNEY DISEASE, ADULT, TYPE I; POLYCYSTIC KIDNEY DISEASE 1 WITH OR WITHOUT POLYCYSTIC LIVER DISEASE; Polycystic Kidney, Autosomal Dominant. Identifiers: MedGen C3149841, MONDO:0008263, OMIM 173900.

Allele frequency attached by ClinVar (database versions not stated): gnomAD exomes 0.00007 and 0.00017; 1000 Genomes Project 0.00020; ExAC 0.00022; gnomAD 0.00058 and 0.00061; 1000 Genomes Project 30x 0.00062; TOPMed 0.00076; ESP Exome Variant Server 0.00116.
gnomAD v4.1: 188 of 1,609,480 alleles (0.012%); highest among the groups gnomAD compares: African/African-American, 0.21%; 4 homozygotes.

Submissions (4):

Women's Health and Genetics/Laboratory Corporation of America, LabCorp
Classification: Likely benign. Last evaluated: 2025-04-03. Review status: criteria provided, single submitter. Criteria: LabCorp Variant Classification Summary - May 2015. Collection method: clinical testing. Allele origin: germline.

Department of Pathology and Laboratory Medicine, Sinai Health System
Classification: Likely benign for Polycystic kidney disease, adult type. Last evaluated: 2021-10-08. Review status: criteria provided, single submitter. Criteria: ACMG Guidelines, 2015. Collection method: clinical testing. Allele origin: germline. Affected: yes.

ARUP Laboratories, Molecular Genetics and Genomics, ARUP Laboratories
Classification: Likely benign for Polycystic kidney disease, adult type. Last evaluated: 2019-08-15. Review status: criteria provided, single submitter. Criteria: ARUP Molecular Germline Variant Investigation Process. Collection method: clinical testing. Allele origin: germline.

PreventionGenetics, part of Exact Sciences
Classification: Likely benign for PKD1-related condition. Last evaluated: 2019-04-22. Review status: no assertion criteria provided. Collection method: clinical testing. Allele origin: germline. Not counted in ClinVar's aggregate classification.
Comment: This variant is classified as likely benign based on ACMG/AMP sequence variant interpretation guidelines (Richards et al. 2015 PMID: 25741868, with internal and published modifications).

NM_001009944.3(PKD1):c.3369C>T (p.Arg1123=)

Gene: PKD1 (polycystin 1, transient receptor potential channel interacting; minus strand). Cytogenetic location: 16p13.3.
Variant type: single nucleotide variant.
Coding change: c.3369C>T on transcript NM_001009944.3 (MANE Select); coding-DNA position 3369, C replaced by T.
Protein change: p.Arg1123=; no amino-acid change (arginine 1123 retained).
Molecular consequence: synonymous variant.
Genome position (GRCh38, 1-based): chr16:2,111,798, G>A on the plus strand (C>T on the coding strand, the complement: PKD1 is on the minus strand). VCF-style: chr16-2111798-G-A. GRCh37 (hg19) VCF-style: chr16-2161799-G-A.
Other names: c.3369C>T (NM_001009944.2); c.3369C>T, p.Arg1123= (NM_000296.4).
Identifiers: ClinVar variation 993741 (VCV000993741.13), dbSNP rs143449093, ClinGen allele CA7832794.